The following is an entry in ClinVar:

ClinVar aggregate classification (germline): Uncertain significance (1 of 4 stars; one submission).

Allele frequency attached by ClinVar (database versions not stated): TOPMed below 0.00001; ExAC 0.00001; gnomAD exomes 0.00001.
gnomAD v4.1: 13 of 1,614,126 alleles (0.00081%); highest among the groups gnomAD compares: Non-Finnish European, 0.0011%; no homozygotes.

Submission:

GeneDx
Classification: Uncertain significance. Last evaluated: 2023-03-23. Review status: criteria provided, single submitter. Criteria: GeneDx Variant Classification Process June 2021. Collection method: clinical testing. Allele origin: germline. Affected: yes.
Comment: Not observed at significant frequency in large population cohorts (gnomAD); In silico analysis supports that this missense variant has a deleterious effect on protein structure/function; Has not been previously published as pathogenic or benign to our knowledge

NM_130839.5(UBE3A):c.140C>T (p.Thr47Met)

Genes: SNHG14 (small nucleolar RNA host gene 14; plus strand), UBE3A (ubiquitin protein ligase E3A; minus strand). Cytogenetic location: 15q11.2.
Variant type: single nucleotide variant.
Coding change: c.140C>T on transcript NM_130839.5 (MANE Select); coding-DNA position 140, C replaced by T.
Protein change: p.Thr47Met; replaces threonine 47 with methionine.
Molecular consequence: missense variant. On other transcripts: 5 prime UTR variant (1), non-coding transcript variant (1).
Genome position (GRCh38, 1-based): chr15:25,375,686, G>A on the plus strand (C>T on the coding strand, the complement: UBE3A is on the minus strand). VCF-style: chr15-25375686-G-A. GRCh37 (hg19) VCF-style: chr15-25620833-G-A.
Other names: c.149C>T, p.Thr50Met (NM_000462.5); c.140C>T, p.Thr47Met (NM_001354505.1, NM_001354538.2, NM_001354545.2 and 1 more transcripts); c.80C>T, p.Thr27Met (NM_001354506.2, NM_001354507.2, NM_001354508.2 and 18 more transcripts); c.-38C>T (NM_001354546.2); short protein forms T27M, T47M, T50M.
Identifiers: ClinVar variation 2663508 (VCV002663508.1), dbSNP rs778994586, ClinGen allele CA7435686.